The following is an entry in ClinVar:

NM_003718.5(CDK13):c.2347G>C (p.Asp783His)

Gene: CDK13 (cyclin dependent kinase 13; plus strand). Cytogenetic location: 7p14.1.
Variant type: single nucleotide variant.
Coding change: c.2347G>C on transcript NM_003718.5 (MANE Select); coding-DNA position 2347, G replaced by C.
Protein change: p.Asp783His; replaces aspartic acid 783 with histidine.
Molecular consequence: missense variant.
Genome position (GRCh38, 1-based): chr7:40,002,025, G>C. VCF-style: chr7-40002025-G-C. GRCh37 (hg19) VCF-style: chr7-40041624-G-C.
Other names: c.2347G>C, p.Asp783His (NM_031267.4); short protein forms D783H.
Identifiers: ClinVar variation 1311110 (VCV001311110.2), dbSNP rs2116327936, ClinGen allele CA367290231.

ClinVar aggregate classification (germline): Uncertain significance (1 of 4 stars; one submission).

Submission:

GeneDx
Classification: Uncertain significance. Last evaluated: 2019-12-09. Review status: criteria provided, single submitter. Criteria: GeneDx Variant Classification Process June 2021. Collection method: clinical testing. Allele origin: germline. Affected: yes.
Comment: Not observed in large population cohorts (Lek et al., 2016); In silico analysis, which includes protein predictors and evolutionary conservation, supports a deleterious effect; Has not been previously published as pathogenic or benign to our knowledge